The following is an entry in ClinVar:

ClinVar aggregate classification (germline): Conflicting classifications of pathogenicity. Review status: criteria provided, conflicting classifications (1 of 4 stars). 2 submissions from 2 submitters: Uncertain significance (1); Likely benign (1). Last evaluated 2025-09-24.

Conditions:
Familial thoracic aortic aneurysm and aortic dissection (TAAD). Also called: Thoracic aortic aneurysms and dissections. Identifiers: Orphanet 91387, MedGen C4707243, MONDO:0019625.

Allele frequency attached by ClinVar (database versions not stated): gnomAD exomes below 0.00001; ExAC 0.00001; TOPMed 0.00002.
gnomAD v4.1: 4 of 1,614,242 alleles (0.00025%); highest among the groups gnomAD compares: East Asian, 0.0022%; no homozygotes.

Submissions (2):

Ambry Genetics
Classification: Likely benign for Familial thoracic aortic aneurysm and aortic dissection. Last evaluated: 2025-09-24. Review status: criteria provided, single submitter. Criteria: Ambry Variant Classification Scheme 2023. Collection method: clinical testing. Allele origin: germline.

Women's Health and Genetics/Laboratory Corporation of America, LabCorp
Classification: Uncertain significance. Last evaluated: 2024-08-05. Review status: criteria provided, single submitter. Criteria: LabCorp Variant Classification Summary - May 2015. Collection method: clinical testing. Allele origin: germline.
Comment: Variant summary: SLC2A10 c.1093G>A (p.Glu365Lys) results in a conservative amino acid change located in the Major facilitator superfamily domain (IPR020846) of the encoded protein sequence. Five of five in-silico tools predict a benign effect of the variant on protein function. The variant allele was found at a frequency of 4e-06 in 251348 control chromosomes. The available data on variant occurrences in the general population are insufficient to allow any conclusion about variant significance. To our knowledge, no occurrence of c.1093G>A in individuals affected with SLC2A10-related conditions and no experimental evidence demonstrating its impact on protein function have been reported. ClinVar contains an entry for this variant (Variation ID: 1789972). Based on the evidence outlined above, the variant was classified as uncertain significance.

NM_030777.4(SLC2A10):c.1093G>A (p.Glu365Lys)

Gene: SLC2A10 (solute carrier family 2 member 10; plus strand). Cytogenetic location: 20q13.12.
Variant type: single nucleotide variant.
Coding change: c.1093G>A on transcript NM_030777.4 (MANE Select); coding-DNA position 1093, G replaced by A.
Protein change: p.Glu365Lys; replaces glutamic acid 365 with lysine.
Molecular consequence: missense variant.
Genome position (GRCh38, 1-based): chr20:46,726,129, G>A. VCF-style: chr20-46726129-G-A. GRCh37 (hg19) VCF-style: chr20-45354768-G-A.
Other names: short protein forms E365K.
Identifiers: ClinVar variation 1789972 (VCV001789972.6), dbSNP rs749578252, ClinGen allele CA9892103.